The following is an entry in ClinVar:

NM_015338.6(ASXL1):c.3835G>A (p.Val1279Met)

Gene: ASXL1 (ASXL transcriptional regulator 1; plus strand). Cytogenetic location: 20q11.21.
Variant type: single nucleotide variant.
Coding change: c.3835G>A on transcript NM_015338.6 (MANE Select); coding-DNA position 3835, G replaced by A.
Protein change: p.Val1279Met; replaces valine 1279 with methionine.
Molecular consequence: missense variant.
Genome position (GRCh38, 1-based): chr20:32,436,547, G>A. VCF-style: chr20-32436547-G-A. GRCh37 (hg19) VCF-style: chr20-31024350-G-A.
Other names: c.3652G>A, p.Val1218Met (NM_001363734.1); short protein forms V1279M, V1218M.
Identifiers: ClinVar variation 3794022 (VCV003794022.1).

ClinVar aggregate classification (germline): Uncertain significance (1 of 4 stars; one submission).

Conditions:
Inborn genetic diseases. Identifiers: MedGen C0950123, MeSH D030342.

gnomAD v4.1: 2 of 1,614,202 alleles (0.00012%); highest among the groups gnomAD compares: African/African-American, 0.0013%; no homozygotes.

Submission:

Ambry Genetics
Classification: Uncertain significance for Inborn genetic diseases. Last evaluated: 2025-03-03. Review status: criteria provided, single submitter. Criteria: Ambry Variant Classification Scheme 2023. Collection method: clinical testing. Allele origin: germline.
Comment: The p.V1279M variant (also known as c.3835G>A), located in coding exon 13 of the ASXL1 gene, results from a G to A substitution at nucleotide position 3835. The valine at codon 1279 is replaced by methionine, an amino acid with highly similar properties. This amino acid position is conserved. In addition, this alteration is predicted to be tolerated by in silico analysis. Based on the available evidence, the clinical significance of this variant remains unclear.